The following is an entry in ClinVar:

NM_000051.4(ATM):c.5057T>C (p.Ile1686Thr)

Gene: ATM (ATM serine/threonine kinase; plus strand). Cytogenetic location: 11q22.3.
Variant type: single nucleotide variant.
Coding change: c.5057T>C on transcript NM_000051.4 (MANE Select); coding-DNA position 5057, T replaced by C.
Protein change: p.Ile1686Thr; replaces isoleucine 1686 with threonine.
Molecular consequence: missense variant.
Genome position (GRCh38, 1-based): chr11:108,299,765, T>C. VCF-style: chr11-108299765-T-C. GRCh37 (hg19) VCF-style: chr11-108170492-T-C.
Other names: c.5057T>C, p.Ile1686Thr (NM_001351834.2); short protein forms I1686T.
Identifiers: ClinVar variation 236729 (VCV000236729.10), dbSNP rs878853517, ClinGen allele CA10582825.

ClinVar aggregate classification (germline): Uncertain significance. Review status: criteria provided, multiple submitters, no conflicts (2 of 4 stars). 2 submissions from 2 submitters: Uncertain significance (2). Last evaluated 2025-03-24.

Conditions:
Hereditary cancer-predisposing syndrome. Also called: Tumor predisposition; Hereditary Cancer Syndrome; Hereditary neoplastic syndrome; Neoplastic Syndromes, Hereditary. Identifiers: Orphanet 140162, MedGen C0027672, MeSH D009386, MONDO:0015356.
Ataxia-telangiectasia syndrome (AT). Also called: Ataxia telangiectasia (A-T); LOUIS-BAR SYNDROME; Cerebello-oculocutaneous telangiectasia; Immunodeficiency with ataxia telangiectasia; ATAXIA-TELANGIECTASIA, COMPLEMENTATION GROUP A; ATAXIA-TELANGIECTASIA, FRESNO VARIANT. Identifiers: Orphanet 100, MedGen C0004135, MONDO:0008840, OMIM 208900.

Allele frequency attached by ClinVar (database versions not stated): gnomAD 0.00001.
gnomAD v4.1: 1 of 1,613,876 alleles (0.000062%); highest among the groups gnomAD compares: African/African-American, 0.0013%; no homozygotes.

Submissions (2):

Labcorp Genetics (formerly Invitae), Labcorp
Classification: Uncertain significance for Ataxia-telangiectasia syndrome. Last evaluated: 2025-03-24. Review status: criteria provided, single submitter. Criteria: Invitae Variant Classification Sherloc (09022015). Collection method: clinical testing. Allele origin: germline.
Comment: This sequence change replaces isoleucine, which is neutral and non-polar, with threonine, which is neutral and polar, at codon 1686 of the ATM protein (p.Ile1686Thr). This variant is present in population databases (no rsID available, gnomAD 0.01%). This variant has not been reported in the literature in individuals affected with ATM-related conditions. ClinVar contains an entry for this variant (Variation ID: 236729). Invitae Evidence Modeling of protein sequence and biophysical properties (such as structural, functional, and spatial information, amino acid conservation, physicochemical variation, residue mobility, and thermodynamic stability) indicates that this missense variant is not expected to disrupt ATM protein function with a negative predictive value of 95%. In summary, the available evidence is currently insufficient to determine the role of this variant in disease. Therefore, it has been classified as a Variant of Uncertain Significance.

Ambry Genetics
Classification: Uncertain significance for Hereditary cancer-predisposing syndrome. Last evaluated: 2023-07-12. Review status: criteria provided, single submitter. Criteria: Ambry Variant Classification Scheme 2023. Collection method: clinical testing. Allele origin: germline.
Comment: The p.I1686T variant (also known as c.5057T>C), located in coding exon 33 of the ATM gene, results from a T to C substitution at nucleotide position 5057. The isoleucine at codon 1686 is replaced by threonine, an amino acid with similar properties. This amino acid position is conserved. In addition, this alteration is predicted to be tolerated by in silico analysis. Since supporting evidence is limited at this time, the clinical significance of this alteration remains unclear.